The following is an entry in ClinVar:

ClinVar aggregate classification (germline): Uncertain significance (1 of 4 stars; one submission).

Submission:

Ambry Genetics
Classification: Uncertain significance. Last evaluated: 2026-06-09. Review status: criteria provided, single submitter. Criteria: Ambry Variant Classification Scheme 2023. Collection method: clinical testing. Allele origin: germline.
Comment: The p.P1606L variant (also known as c.4817C>T), located in coding exon 19 of the WNK2 gene, results from a C to T substitution at nucleotide position 4817. The proline at codon 1606 is replaced by leucine, an amino acid with similar properties. This amino acid position is conserved. In addition, this alteration is predicted to be tolerated by in silico analysis. Based on the available evidence, the clinical significance of this variant remains unclear.

NM_006648.4(WNK2):c.4817C>T (p.Pro1606Leu)

Gene: WNK2 (WNK lysine deficient protein kinase 2; plus strand). Cytogenetic location: 9q22.31.
Variant type: single nucleotide variant.
Coding change: c.4817C>T on transcript NM_006648.4 (MANE Select); coding-DNA position 4817, C replaced by T.
Protein change: p.Pro1606Leu; replaces proline 1606 with leucine.
Molecular consequence: missense variant.
Genome position (GRCh38, 1-based): chr9:93,289,571, C>T. VCF-style: chr9-93289571-C-T. GRCh37 (hg19) VCF-style: chr9-96051853-C-T.
Other names: c.4928C>T, p.Pro1643Leu (NM_001282394.3); short protein forms P1606L, P1643L.
Identifiers: ClinVar variation 4866753 (VCV004866753.1).